The following is an entry in ClinVar:

ClinVar aggregate classification (germline): Uncertain significance (1 of 4 stars; one submission).

gnomAD v4.1: 21 of 1,613,636 alleles (0.0013%); highest among the groups gnomAD compares: East Asian, 0.045%; no homozygotes.

Submission:

Labcorp Genetics (formerly Invitae), Labcorp
Classification: Uncertain significance. Last evaluated: 2026-01-22. Review status: criteria provided, single submitter. Criteria: Invitae Variant Classification Sherloc (09022015). Collection method: clinical testing. Allele origin: germline.
Comment: This sequence change affects an acceptor splice site in intron 8 of the SIAE gene. It is expected to disrupt RNA splicing. Variants that disrupt the donor or acceptor splice site typically lead to a loss of protein function (PMID: 16199547), however the current clinical and genetic evidence is not sufficient to establish whether loss-of-function variants in SIAE cause disease. This variant is present in population databases (rs531523609, gnomAD 0.04%). This variant has not been reported in the literature in individuals affected with SIAE-related conditions. ClinVar contains an entry for this variant (Variation ID: 3609429). Algorithms developed to predict the effect of sequence changes on RNA splicing suggest that this variant may disrupt the consensus splice site. In summary, the available evidence is currently insufficient to determine the role of this variant in disease. Therefore, it has been classified as a Variant of Uncertain Significance.

Literature cited by the submitters: PubMed 16199547.

NM_170601.5(SIAE):c.1125-2A>C

Gene: SIAE (sialic acid acetylesterase; minus strand). Cytogenetic location: 11q24.2.
Variant type: single nucleotide variant.
Coding change: c.1125-2A>C on transcript NM_170601.5 (MANE Select); the canonical splice acceptor site of the intron before coding-DNA position 1125, A replaced by C.
Molecular consequence: splice acceptor variant.
Genome position (GRCh38, 1-based): chr11:124,638,739, T>G on the plus strand (A>C on the coding strand, the complement: SIAE is on the minus strand). VCF-style: chr11-124638739-T-G. GRCh37 (hg19) VCF-style: chr11-124508635-T-G.
Other names: c.1020-2A>C (NM_001199922.2).
Identifiers: ClinVar variation 3609429 (VCV003609429.2).